The following is an entry in ClinVar:

ClinVar aggregate classification (germline): Uncertain significance. Review status: criteria provided, multiple submitters, no conflicts (2 of 4 stars). 5 submissions from 5 submitters: Uncertain significance (5). Last evaluated 2025-12-03.

Conditions:
Marfan syndrome (MFS). Also called: Marfan syndrome type 1; Marfan's syndrome; FBN1-Related Marfan Syndrome; MARFAN SYNDROME, TYPE I; Marfan syndrome, classic. Identifiers: Orphanet 284963, Orphanet 558, MedGen C0024796, MONDO:0007947, OMIM 154700.
Familial thoracic aortic aneurysm and aortic dissection (TAAD). Also called: Thoracic aortic aneurysms and dissections. Identifiers: Orphanet 91387, MedGen C4707243, MONDO:0019625.
Geleophysic dysplasia 2 (GPHYSD2). Identifiers: Orphanet 2623, MedGen C3280054, MONDO:0013612, OMIM 614185.
Acromicric dysplasia (ACMICD). Also called: Acromicric skeletal dysplasia. Identifiers: Orphanet 969, MedGen C0265287, MONDO:0007055, OMIM 102370.
Weill-Marchesani syndrome 2, dominant. Also called: FBN1-Related Weill-Marchesani Syndrome; Weill-Marchesani Syndrome, Autosomal Dominant. Identifiers: Orphanet 2084, MedGen C1869115, MONDO:0012013, OMIM 608328.
Ectopia lentis 1, isolated, autosomal dominant (ECTOL1). Identifiers: Orphanet 1885, MedGen C3541518, MONDO:0007514, OMIM 129600.
Progeroid and marfanoid aspect-lipodystrophy syndrome. Also called: MARFANOID-PROGEROID-LIPODYSTROPHY SYNDROME; MARFANOID-PROGEROID SYNDROME; MARFAN-PROGEROID-LIPODYSTROPHY SYNDROME; Marfan lipodystrophy syndrome. Identifiers: Orphanet 300382, MedGen C4310796, MONDO:0014831, OMIM 616914.
Stiff skin syndrome (SSKS). Identifiers: Orphanet 2833, MedGen C1861456, MONDO:0008492, OMIM 184900.
MASS syndrome (OCTD). Also called: MASS PHENOTYPE; OVERLAP CONNECTIVE TISSUE DISEASE. Identifiers: MedGen C1858556, MONDO:0011431, OMIM 604308.

Allele frequency attached by ClinVar (database versions not stated): gnomAD exomes below 0.00001; TOPMed 0.00001; gnomAD 0.00001.
gnomAD v4.1: 4 of 1,613,988 alleles (0.00025%); highest among the groups gnomAD compares: African/African-American, 0.0013%; no homozygotes.

Submissions (5):

Labcorp Genetics (formerly Invitae), Labcorp
Classification: Uncertain significance for Marfan syndrome; Familial thoracic aortic aneurysm and aortic dissection. Last evaluated: 2025-12-03. Review status: criteria provided, single submitter. Criteria: Invitae Variant Classification Sherloc (09022015). Collection method: clinical testing. Allele origin: germline.
Comment: This sequence change replaces isoleucine, which is neutral and non-polar, with valine, which is neutral and non-polar, at codon 817 of the FBN1 protein (p.Ile817Val). This variant is not present in population databases (gnomAD no frequency). This variant has not been reported in the literature in individuals affected with FBN1-related conditions. ClinVar contains an entry for this variant (Variation ID: 1308349). Invitae Evidence Modeling of protein sequence and biophysical properties (such as structural, functional, and spatial information, amino acid conservation, physicochemical variation, residue mobility, and thermodynamic stability) indicates that this missense variant is not expected to disrupt FBN1 protein function with a negative predictive value of 95%. In summary, the available evidence is currently insufficient to determine the role of this variant in disease. Therefore, it has been classified as a Variant of Uncertain Significance.

All of Us Research Program, National Institutes of Health
Classification: Uncertain significance for Marfan syndrome. Last evaluated: 2024-01-11. Review status: criteria provided, single submitter. Criteria: ACMG Guidelines, 2015. Collection method: clinical testing. Allele origin: germline. Inheritance: Autosomal dominant inheritance. Observed: 2 variant alleles, 2 heterozygotes.
Comment: This missense variant replaces isoleucine with valine at codon 817 of the FBN1 protein. Computational prediction suggests that this variant may not impact protein structure and function (internally defined REVEL score threshold <= 0.5, PMID: 27666373). To our knowledge, functional studies have not been reported for this variant. This variant has not been reported in individuals affected with FBN1-related disorders in the literature. This variant has not been identified in the general population by the Genome Aggregation Database (gnomAD). The available evidence is insufficient to determine the role of this variant in disease conclusively. Therefore, this variant is classified as a Variant of Uncertain Significance.

This study involves interpretation of variants in research participants for the purpose of population health screening. Participant phenotype was not available at the time of variant classification. Additional details can be found in publication PMID: 35346344, PMCID: PMC8962531

Ambry Genetics
Classification: Uncertain significance for Familial thoracic aortic aneurysm and aortic dissection. Last evaluated: 2023-03-06. Review status: criteria provided, single submitter. Criteria: Ambry Variant Classification Scheme 2023. Collection method: clinical testing. Allele origin: germline.
Comment: The p.I817V variant (also known as c.2449A>G), located in coding exon 20 of the FBN1 gene, results from an A to G substitution at nucleotide position 2449. The isoleucine at codon 817 is replaced by valine, an amino acid with highly similar properties. This amino acid position is not well conserved in available vertebrate species. In addition, this alteration is predicted to be tolerated by in silico analysis. Since supporting evidence is limited at this time, the clinical significance of this alteration remains unclear.

Fulgent Genetics
Classification: Uncertain significance for Acromicric dysplasia; Ectopia lentis 1, isolated, autosomal dominant; Marfan syndrome; Stiff skin syndrome; MASS syndrome; Weill-Marchesani syndrome 2, dominant; Geleophysic dysplasia 2; Progeroid and marfanoid aspect-lipodystrophy syndrome. Last evaluated: 2021-11-12. Review status: criteria provided, single submitter. Criteria: ACMG Guidelines, 2015. Collection method: clinical testing. Allele origin: unknown.

GeneDx
Classification: Uncertain significance. Last evaluated: 2019-03-27. Review status: criteria provided, single submitter. Criteria: GeneDx Variant Classification Process June 2021. Collection method: clinical testing. Allele origin: germline. Affected: yes.
Comment: Has not been previously published as pathogenic or benign to our knowledge; Although located in a calcium-binding EGF-like domain of the FBN1 gene, it does not affect a cysteine residue within this domain; cysteine substitutions in the calcium-binding EGF-like domains represent the majority of pathogenic missense changes associated with FBN1 related disorders (Collod-Beroud et al., 2003).; In silico analysis, which includes protein predictors and evolutionary conservation, supports that this variant does not alter protein structure/function; Not observed in large population cohorts (Lek et al., 2016)

NM_000138.5(FBN1):c.2449A>G (p.Ile817Val)

Gene: FBN1 (fibrillin 1; minus strand). Cytogenetic location: 15q21.1.
Variant type: single nucleotide variant.
Coding change: c.2449A>G on transcript NM_000138.5 (MANE Select); coding-DNA position 2449, A replaced by G.
Protein change: p.Ile817Val; replaces isoleucine 817 with valine.
Molecular consequence: missense variant.
Genome position (GRCh38, 1-based): chr15:48,495,559, T>C on the plus strand (A>G on the coding strand, the complement: FBN1 is on the minus strand). VCF-style: chr15-48495559-T-C. GRCh37 (hg19) VCF-style: chr15-48787756-T-C.
Other names: short protein forms I817V.
Identifiers: ClinVar variation 1308349 (VCV001308349.10), dbSNP rs965020667, ClinGen allele CA269538593.